The following is an entry in ClinVar:

ClinVar aggregate classification (germline): Likely pathogenic (1 of 4 stars; one submission).

Conditions:
Marfan syndrome (MFS). Also called: MARFAN SYNDROME, TYPE I; Marfan syndrome type 1; Marfan's syndrome; Marfan syndrome, classic; FBN1-Related Marfan Syndrome. Identifiers: Orphanet 284963, Orphanet 558, MedGen C0024796, MONDO:0007947, OMIM 154700.
Familial thoracic aortic aneurysm and aortic dissection (TAAD). Also called: Thoracic aortic aneurysms and dissections. Identifiers: Orphanet 91387, MedGen C4707243, MONDO:0019625.

Submission:

Labcorp Genetics (formerly Invitae), Labcorp
Classification: Likely pathogenic for Marfan syndrome; Familial thoracic aortic aneurysm and aortic dissection. Last evaluated: 2024-04-01. Review status: criteria provided, single submitter. Criteria: Invitae Variant Classification Sherloc (09022015). Collection method: clinical testing. Allele origin: germline.
Comment: This sequence change replaces tyrosine, which is neutral and polar, with cysteine, which is neutral and slightly polar, at codon 181 of the FBN1 protein (p.Tyr181Cys). This variant is not present in population databases (gnomAD no frequency). This missense change has been observed in individual(s) with clinical features of FBN1-related conditions (Invitae). It has also been observed to segregate with disease in related individuals. Advanced modeling of protein sequence and biophysical properties (such as structural, functional, and spatial information, amino acid conservation, physicochemical variation, residue mobility, and thermodynamic stability) performed at Invitae indicates that this missense variant is expected to disrupt FBN1 protein function with a positive predictive value of 95%. In summary, the currently available evidence indicates that the variant is pathogenic, but additional data are needed to prove that conclusively. Therefore, this variant has been classified as Likely Pathogenic.

NM_000138.5(FBN1):c.542A>G (p.Tyr181Cys)

Gene: FBN1 (fibrillin 1; minus strand). Cytogenetic location: 15q21.1.
Variant type: single nucleotide variant.
Coding change: c.542A>G on transcript NM_000138.5 (MANE Select); coding-DNA position 542, A replaced by G.
Protein change: p.Tyr181Cys; replaces tyrosine 181 with cysteine.
Molecular consequence: missense variant.
Genome position (GRCh38, 1-based): chr15:48,537,805, T>C on the plus strand (A>G on the coding strand, the complement: FBN1 is on the minus strand). VCF-style: chr15-48537805-T-C. GRCh37 (hg19) VCF-style: chr15-48830002-T-C.
Other names: c.542A>G, p.Tyr181Cys (NM_001406716.1, NM_001406717.1); short protein forms Y181C.
Identifiers: ClinVar variation 3759300 (VCV003759300.2).
Genomic context (GRCh38, chr15:48,537,805, plus strand): 5'-CCGCTGAGTTGTCCCTGGCACATCTGGTTGCTGATCACAGTAAAACATGGGCCTGTCCTG[T>C]AATCTGAAAATAAAGAATAAAAATCTGATGAAAATCCAGAAAAGCAGGAACCATCATGCA-3'
Protein context (NP_000129.3, residues 171-191): GFTGPQCERD[Tyr181Cys]RTGPCFTVIS